The following is an entry in ClinVar:

NM_001128205.2(SULF1):c.1678GAA[4] (p.Glu564del)

Gene: SULF1 (sulfatase 1; plus strand). Cytogenetic location: 8q13.3.
Variant type: Microsatellite.
Coding change: c.1678GAA[4] on transcript NM_001128205.2 (MANE Select); four copies in a row of the 3-base unit GAA starting at c.1678; the reference has five copies in a row; one copy, 3 bases deleted.
Protein change: p.Glu564del; deletes glutamic acid 564.
Molecular consequence: inframe deletion. On other transcripts: 5 prime UTR variant (1), non-coding transcript variant (7).
Genome position (GRCh38, 1-based): chr8:69,624,037-69,624,039, GAA deleted; deleting any 3 consecutive bases within chr8:69,624,025-69,624,039 gives the same sequence; the position shown is the placement nearest the transcript's 3' end. VCF-style (leftmost placement, unchanged base first): chr8-69624024-GGAA-G. GRCh37 (hg19) VCF-style: chr8-70536259-GGAA-G.
Other names: c.1078GAA[4], p.Glu364del (NM_001412844.1, NM_001412845.1); c.-114GAA[4] (NM_001412846.1); c.1678GAA[4], p.Glu564del (NM_001412850.1, NM_001412851.1, NM_015170.3 and 9 more transcripts); c.1549GAA[4], p.Glu521del (NM_001412832.1, NM_001412838.1, NM_001412839.1 and 1 more transcripts); c.1621GAA[4], p.Glu545del (NM_001412836.1, NM_001412837.1); c.1492GAA[4], p.Glu502del (NM_001412841.1, NM_001412842.1); short protein forms E364del, E502del, E521del, E545del, E564del.
Identifiers: ClinVar variation 3626664 (VCV003626664.2).
Genomic context (GRCh38, chr8:69,624,024, plus strand): 5'-TACTCGGCAGACACGTTCCTTGTCCGTCGAATTTGAAGGTGAAATATATGACATAAATCT[GGAA>G]GAAGAAGAAGAATTGCAAGTGTTGCAACCAAGAAACATTGCTAAGCGTCATGATGAAGGC-3'

ClinVar aggregate classification (germline): Uncertain significance (1 of 4 stars; one submission).

Submission:

Labcorp Genetics (formerly Invitae), Labcorp
Classification: Uncertain significance. Last evaluated: 2024-04-27. Review status: criteria provided, single submitter. Criteria: Invitae Variant Classification Sherloc (09022015). Collection method: clinical testing. Allele origin: germline.
Comment: This variant, c.1690_1692del, results in the deletion of 1 amino acid(s) of the SULF1 protein (p.Glu564del), but otherwise preserves the integrity of the reading frame. This variant is not present in population databases (gnomAD no frequency). This variant has not been reported in the literature in individuals affected with SULF1-related conditions. In summary, the available evidence is currently insufficient to determine the role of this variant in disease. Therefore, it has been classified as a Variant of Uncertain Significance.